The following is an entry in ClinVar:

NM_000291.4(PGK1):c.650T>C (p.Val217Ala)

Gene: PGK1 (phosphoglycerate kinase 1; plus strand). Cytogenetic location: Xq21.1.
Variant type: single nucleotide variant.
Coding change: c.650T>C on transcript NM_000291.4 (MANE Select); coding-DNA position 650, T replaced by C.
Protein change: p.Val217Ala; replaces valine 217 with alanine.
Molecular consequence: missense variant.
Genome position (GRCh38, 1-based): chrX:78,122,843, T>C. VCF-style: chrX-78122843-T-C. GRCh37 (hg19) VCF-style: chrX-77378340-T-C.
Other names: short protein forms V217A.
Identifiers: ClinVar variation 2844857 (VCV002844857.4), dbSNP rs2522501949, ClinGen allele CA413715252.

ClinVar aggregate classification (germline): Uncertain significance. Review status: criteria provided, multiple submitters, no conflicts (2 of 4 stars). 2 submissions from 2 submitters: Uncertain significance (2). Last evaluated 2026-03-26.

Conditions:
Inborn genetic diseases. Identifiers: MedGen C0950123, MeSH D030342.

Submissions (2):

Ambry Genetics
Classification: Uncertain significance for Inborn genetic diseases. Last evaluated: 2026-03-26. Review status: criteria provided, single submitter. Criteria: Ambry Variant Classification Scheme 2023. Collection method: clinical testing. Allele origin: germline.
Comment: The c.650T>C (p.V217A) alteration is located in exon 7 (coding exon 7) of the PGK1 gene. This alteration results from a T to C substitution at nucleotide position 650, causing the valine (V) at amino acid position 217 to be replaced by an alanine (A). This variant was not reported in population-based cohorts in the Genome Aggregation Database (gnomAD). Other variant(s) at the same codon, c.649G>A (p.V217I), have been identified in individual(s) with features consistent with Phosphoglycerate kinase 1 deficiency (Matsumaru, 2017). This amino acid position is highly conserved in available vertebrate species. This alteration is predicted to be deleterious by in silico analysis. Based on insufficient or conflicting evidence, the clinical significance of this alteration remains unclear.

Labcorp Genetics (formerly Invitae), Labcorp
Classification: Uncertain significance. Last evaluated: 2024-10-23. Review status: criteria provided, single submitter. Criteria: Invitae Variant Classification Sherloc (09022015). Collection method: clinical testing. Allele origin: germline.
Comment: This sequence change replaces valine, which is neutral and non-polar, with alanine, which is neutral and non-polar, at codon 217 of the PGK1 protein (p.Val217Ala). This variant is not present in population databases (gnomAD no frequency). This variant has not been reported in the literature in individuals affected with PGK1-related conditions. Invitae Evidence Modeling of protein sequence and biophysical properties (such as structural, functional, and spatial information, amino acid conservation, physicochemical variation, residue mobility, and thermodynamic stability) has been performed for this missense variant. However, the output from this modeling did not meet the statistical confidence thresholds required to predict the impact of this variant on PGK1 protein function. In summary, the available evidence is currently insufficient to determine the role of this variant in disease. Therefore, it has been classified as a Variant of Uncertain Significance.

Literature cited by the submitters: PubMed 28580215 (cited by Ambry Genetics).